The following is an entry in ClinVar:

NM_020937.4(FANCM):c.4222+7T>G

Gene: FANCM (FA complementation group M; plus strand). Cytogenetic location: 14q21.2.
Variant type: single nucleotide variant.
Coding change: c.4222+7T>G on transcript NM_020937.4 (MANE Select); 7 bases into the intron after coding-DNA position 4222, T replaced by G.
Molecular consequence: intron variant.
Genome position (GRCh38, 1-based): chr14:45,176,983, T>G. VCF-style: chr14-45176983-T-G. GRCh37 (hg19) VCF-style: chr14-45646186-T-G.
Other names: c.4144+7T>G (NM_001308133.2); c.4222+7T>G (LRG_502t1).
Identifiers: ClinVar variation 313216 (VCV000313216.21), dbSNP rs148675704, ClinGen allele CA7169641.

ClinVar aggregate classification (germline): Benign/Likely benign. Review status: criteria provided, multiple submitters, no conflicts (2 of 4 stars). 6 submissions from 6 submitters: Benign (2); Likely benign (3). 1 of the submissions does not count toward it. Last evaluated 2026-02-03.

Conditions:
FANCM-related disorder. Also called: FANCM-related condition.
Fanconi anemia (FA). Also called: Fanconi's anemia. Identifiers: Orphanet 84, MedGen C0015625, MeSH D005199, MONDO:0019391.
Hereditary cancer-predisposing syndrome. Also called: Tumor predisposition; Neoplastic Syndromes, Hereditary; Hereditary Cancer Syndrome; Hereditary neoplastic syndrome. Identifiers: Orphanet 140162, MedGen C0027672, MeSH D009386, MONDO:0015356.

Allele frequency attached by ClinVar (database versions not stated): gnomAD exomes 0.00026 and 0.00069; ExAC 0.00080; ESP Exome Variant Server 0.00228; gnomAD 0.00309 and 0.00316; TOPMed 0.00331; 1000 Genomes Project 0.00479; 1000 Genomes Project 30x 0.00578.
gnomAD v4.1: 841 of 1,507,644 alleles (0.056%); highest among the groups gnomAD compares: African/African-American, 1%; 5 homozygotes.

Submissions (6):

Labcorp Genetics (formerly Invitae), Labcorp
Classification: Benign for Fanconi anemia. Last evaluated: 2026-02-03. Review status: criteria provided, single submitter. Criteria: Invitae Variant Classification Sherloc (09022015). Collection method: clinical testing. Allele origin: germline.

Quest Diagnostics Nichols Institute San Juan Capistrano
Classification: Benign. Last evaluated: 2025-08-26. Review status: criteria provided, single submitter. Criteria: Quest Diagnostics criteria. Collection method: clinical testing. Allele origin: unknown.

Blueprint Genetics
Classification: Likely benign. Last evaluated: 2024-11-25. Review status: criteria provided, single submitter. Criteria: ACMG Guidelines, 2015. Collection method: clinical testing. Allele origin: germline.

Genetic Services Laboratory, University of Chicago
Classification: Likely benign. Last evaluated: 2021-10-11. Review status: criteria provided, single submitter. Criteria: ACMG Guidelines, 2015. Collection method: clinical testing. Allele origin: germline. Affected: no.

Sema4
Classification: Likely benign for Hereditary cancer-predisposing syndrome. Last evaluated: 2021-05-30. Review status: criteria provided, single submitter. Criteria: Sema4 Curation Guidelines. Collection method: curation. Allele origin: germline.

PreventionGenetics, part of Exact Sciences
Classification: Benign for FANCM-related condition. Last evaluated: 2019-09-18. Review status: no assertion criteria provided. Collection method: clinical testing. Allele origin: germline. Not counted in ClinVar's aggregate classification.
Comment: This variant is classified as benign based on ACMG/AMP sequence variant interpretation guidelines (Richards et al. 2015 PMID: 25741868, with internal and published modifications).

Literature cited by the submitters: PubMed 19737859 (cited by Quest Diagnostics Nichols Institute San Juan Capistrano).